The following is an entry in ClinVar:

ClinVar aggregate classification (germline): Benign/Likely benign. Review status: criteria provided, multiple submitters, no conflicts (2 of 4 stars). 3 submissions from 3 submitters: Benign (2); Likely benign (1). Last evaluated 2025-11-04.

Allele frequency attached by ClinVar (database versions not stated): ESP Exome Variant Server 0.00090; gnomAD 0.00093 and 0.00122; TOPMed 0.00105; gnomAD exomes 0.00195 and 0.00211; ExAC 0.00271; 1000 Genomes Project 0.00300; 1000 Genomes Project 30x 0.00359.
gnomAD v4.1: 2,959 of 1,486,714 alleles (0.2%); highest among the groups gnomAD compares: South Asian, 0.86%; 12 homozygotes.

Submissions (3):

Labcorp Genetics (formerly Invitae), Labcorp
Classification: Benign. Last evaluated: 2025-11-04. Review status: criteria provided, single submitter. Criteria: Invitae Variant Classification Sherloc (09022015). Collection method: clinical testing. Allele origin: germline.

CeGaT Center for Human Genetics Tuebingen
Classification: Likely benign. Last evaluated: 2022-05-01. Review status: criteria provided, single submitter. Criteria: CeGaT Center For Human Genetics Tuebingen Variant Classification Criteria Version 2. Collection method: clinical testing. Allele origin: germline. Affected: yes. Observed: 1 variant allele.
Comment: CPAMD8: BP4, BS2

Breakthrough Genomics
Classification: Benign. Review status: criteria provided, single submitter. Criteria: ACMG Guidelines, 2015. Collection method: not provided. Allele origin: germline. Inheritance: Autosomal recessive inheritance. Affected: yes.

NM_015692.5(CPAMD8):c.5638A>G (p.Asn1880Asp)

Gene: CPAMD8 (C3 and PZP like alpha-2-macroglobulin domain containing 8; minus strand). Cytogenetic location: 19p13.11.
Variant type: single nucleotide variant.
Coding change: c.5638A>G on transcript NM_015692.5 (MANE Select); coding-DNA position 5638, A replaced by G.
Protein change: p.Asn1880Asp; replaces asparagine 1880 with aspartic acid.
Molecular consequence: missense variant. On other transcripts: non-coding transcript variant (1).
Genome position (GRCh38, 1-based): chr19:16,893,128, T>C on the plus strand (A>G on the coding strand, the complement: CPAMD8 is on the minus strand). VCF-style: chr19-16893128-T-C. GRCh37 (hg19) VCF-style: chr19-17003939-T-C.
Other names: short protein forms N1880D.
Identifiers: ClinVar variation 709705 (VCV000709705.33), dbSNP rs182109236, ClinGen allele CA9284172.
Genomic context (GRCh38, chr19:16,893,128, plus strand): 5'-GGACCAAACTGCGGTCCCACAACTGCATGTGGTTGTAGGATTATCTCAAGGTGCAGGTGT[T>C]TGACATCCATAAACCCTCCTCCCCACCACTCTGAAAGGCTGGGCTGTAGACGAAGACAGG-3'
Protein context (NP_056507.3, residues 1870-1885): SGGEEGLWMS[Asn1880Asp]TCTLR